The following is an entry in ClinVar:

NM_001433705.1(NLRP5):c.1214G>A (p.Arg405His)

Genes: NLRP5 (NLR family pyrin domain containing 5; plus strand), LOC126862935 (BRD4-independent group 4 enhancer GRCh37_chr19:56537936-56539135; plus strand). Cytogenetic location: 19q13.43.
Variant type: single nucleotide variant.
Coding change: c.1214G>A on transcript NM_001433705.1 (MANE Select); coding-DNA position 1214, G replaced by A.
Protein change: p.Arg405His; replaces arginine 405 with histidine.
Molecular consequence: missense variant.
Genome position (GRCh38, 1-based): chr19:56,027,600, G>A. VCF-style: chr19-56027600-G-A. GRCh37 (hg19) VCF-style: chr19-56538966-G-A.
Other names: NM_153447.4:c.1367G>A; short protein forms R405H.
Identifiers: ClinVar variation 1090359 (VCV001090359.31), dbSNP rs200829045, ClinGen allele CA9685533.

ClinVar aggregate classification (germline): Likely benign. Review status: criteria provided, multiple submitters, no conflicts (2 of 4 stars). 3 submissions from 3 submitters: Likely benign (2). 1 of the submissions does not count toward it. Last evaluated 2024-10-01.

Conditions:
NLRP5-related disorder. Also called: NLRP5-related condition.

Allele frequency attached by ClinVar (database versions not stated): 1000 Genomes Project 30x 0.00062; 1000 Genomes Project 0.00100; ExAC 0.00107; gnomAD exomes 0.00110 and 0.00181; gnomAD 0.00122 and 0.00125; ESP Exome Variant Server 0.00166.
gnomAD v4.1: 2,829 of 1,613,850 alleles (0.18%); highest among the groups gnomAD compares: Non-Finnish European, 0.21%; 3 homozygotes.

Submissions (3):

CeGaT Center for Human Genetics Tuebingen
Classification: Likely benign. Last evaluated: 2024-10-01. Review status: criteria provided, single submitter. Criteria: CeGaT Center For Human Genetics Tuebingen Variant Classification Criteria Version 2. Collection method: clinical testing. Allele origin: germline. Affected: yes. Observed: 2 variant alleles.
Comment: NLRP5: BP4, BS2

Labcorp Genetics (formerly Invitae), Labcorp
Classification: Likely benign. Last evaluated: 2019-12-07. Review status: criteria provided, single submitter. Criteria: Invitae Variant Classification Sherloc (09022015). Collection method: clinical testing. Allele origin: germline.

PreventionGenetics, part of Exact Sciences
Classification: Likely benign for NLRP5-related condition. Last evaluated: 2022-02-04. Review status: no assertion criteria provided. Collection method: clinical testing. Allele origin: germline. Not counted in ClinVar's aggregate classification.
Comment: This variant is classified as likely benign based on ACMG/AMP sequence variant interpretation guidelines (Richards et al. 2015 PMID: 25741868, with internal and published modifications).